The following is an entry in ClinVar:

NM_152515.5(CKAP2L):c.183C>T (p.Thr61=)

Gene: CKAP2L (cytoskeleton associated protein 2 like; minus strand). Cytogenetic location: 2q14.1.
Variant type: single nucleotide variant.
Coding change: c.183C>T on transcript NM_152515.5 (MANE Select); coding-DNA position 183, C replaced by T.
Protein change: p.Thr61=; no amino-acid change (threonine 61 retained).
Molecular consequence: synonymous variant. On other transcripts: non-coding transcript variant (1), intron variant (1).
Genome position (GRCh38, 1-based): chr2:112,757,188, G>A on the plus strand (C>T on the coding strand, the complement: CKAP2L is on the minus strand). VCF-style: chr2-112757188-G-A. GRCh37 (hg19) VCF-style: chr2-113514765-G-A.
Other names: c.-280-33C>T (NM_001304361.2); c.183C>T (NM_152515.4).
Identifiers: ClinVar variation 1463047 (VCV001463047.10), dbSNP rs145362538, ClinGen allele CA1836888.

ClinVar aggregate classification (germline): Likely benign. Review status: criteria provided, single submitter (1 of 4 stars). 2 submissions from 2 submitters: Likely benign (1). 1 of the submissions does not count toward it. Last evaluated 2024-10-22.

Conditions:
CKAP2L-related disorder. Also called: CKAP2L-related condition.

Allele frequency attached by ClinVar (database versions not stated): gnomAD exomes 0.00003 and 0.00015; ExAC 0.00017; 1000 Genomes Project 0.00020; 1000 Genomes Project 30x 0.00031; ESP Exome Variant Server 0.00031; TOPMed 0.00043; gnomAD 0.00045 and 0.00049.

Submissions (2):

Labcorp Genetics (formerly Invitae), Labcorp
Classification: Likely benign. Last evaluated: 2024-10-22. Review status: criteria provided, single submitter. Criteria: Invitae Variant Classification Sherloc (09022015). Collection method: clinical testing. Allele origin: germline.

PreventionGenetics, part of Exact Sciences
Classification: Likely benign for CKAP2L-related condition. Last evaluated: 2019-11-18. Review status: no assertion criteria provided. Collection method: clinical testing. Allele origin: germline. Not counted in ClinVar's aggregate classification.
Comment: This variant is classified as likely benign based on ACMG/AMP sequence variant interpretation guidelines (Richards et al. 2015 PMID: 25741868, with internal and published modifications).